The following is an entry in ClinVar:

ClinVar aggregate classification (germline): Likely benign (0 of 4 stars; one submission).

Conditions:
SEMA3C-related disorder. Also called: SEMA3C-related condition.

Allele frequency attached by ClinVar (database versions not stated): gnomAD 0.00007; ExAC 0.00008; gnomAD exomes 0.00010; TOPMed 0.00011; ESP Exome Variant Server 0.00023.
gnomAD v4.1: 158 of 1,613,990 alleles (0.0098%); highest among the groups gnomAD compares: Non-Finnish European, 0.012%; no homozygotes.

Submission:

PreventionGenetics, part of Exact Sciences
Classification: Likely benign for SEMA3C-related condition. Last evaluated: 2021-12-10. Review status: no assertion criteria provided. Collection method: clinical testing. Allele origin: germline.
Comment: This variant is classified as likely benign based on ACMG/AMP sequence variant interpretation guidelines (Richards et al. 2015 PMID: 25741868, with internal and published modifications).

NM_006379.5(SEMA3C):c.1290A>G (p.Thr430=)

Gene: SEMA3C (semaphorin 3C; minus strand). Cytogenetic location: 7q21.11.
Variant type: single nucleotide variant.
Coding change: c.1290A>G on transcript NM_006379.5 (MANE Select); coding-DNA position 1290, A replaced by G.
Protein change: p.Thr430=; no amino-acid change (threonine 430 retained).
Molecular consequence: synonymous variant.
Genome position (GRCh38, 1-based): chr7:80,789,370, T>C on the plus strand (A>G on the coding strand, the complement: SEMA3C is on the minus strand). VCF-style: chr7-80789370-T-C. GRCh37 (hg19) VCF-style: chr7-80418686-T-C.
Other names: c.1344A>G, p.Thr448= (NM_001350120.2); c.1116A>G, p.Thr372= (NM_001350121.2).
Identifiers: ClinVar variation 3047206 (VCV003047206.2), dbSNP rs145331480, ClinGen allele CA4316161.